The following is an entry in ClinVar:

NM_000038.6(APC):c.6187C>T (p.His2063Tyr)

Gene: APC (APC regulator of Wnt signaling pathway; plus strand). Cytogenetic location: 5q22.2.
Variant type: single nucleotide variant.
Coding change: c.6187C>T on transcript NM_000038.6 (MANE Select); coding-DNA position 6187, C replaced by T.
Protein change: p.His2063Tyr; replaces histidine 2063 with tyrosine.
Molecular consequence: missense variant.
Genome position (GRCh38, 1-based): chr5:112,841,781, C>T. VCF-style: chr5-112841781-C-T. GRCh37 (hg19) VCF-style: chr5-112177478-C-T.
Other names: c.6187C>T, p.His2063Tyr (NM_001127510.3, NM_001354895.2, NM_001407450.1); c.6133C>T, p.His2045Tyr (NM_001127511.3); c.6241C>T, p.His2081Tyr (NM_001354896.2, NM_001407447.1, NM_001407448.1 and 1 more transcripts); c.6217C>T, p.His2073Tyr (NM_001354897.2); c.6112C>T, p.His2038Tyr (NM_001354898.2); c.6103C>T, p.His2035Tyr (NM_001354899.2); c.6064C>T, p.His2022Tyr (NM_001354900.2); c.6010C>T, p.His2004Tyr (NM_001354901.2, NM_001407453.1); and 11 more; short protein forms H1980Y, H2053Y, H2081Y, H1934Y, H1962Y, H1972Y, H2035Y, H2073Y.
Identifiers: ClinVar variation 1752087 (VCV001752087.5), dbSNP rs763841843, ClinGen allele CA16034884.

ClinVar aggregate classification (germline): Uncertain significance. Review status: criteria provided, multiple submitters, no conflicts (2 of 4 stars). 2 submissions from 2 submitters: Uncertain significance (2). Last evaluated 2025-06-18.

Conditions:
Hereditary cancer-predisposing syndrome. Also called: Hereditary Cancer Syndrome; Hereditary neoplastic syndrome; Neoplastic Syndromes, Hereditary; Tumor predisposition. Identifiers: Orphanet 140162, MedGen C0027672, MeSH D009386, MONDO:0015356.
Familial adenomatous polyposis 1 (FAP1). Also called: FAMILIAL ADENOMATOUS POLYPOSIS 1, ATTENUATED; POLYPOSIS, ADENOMATOUS INTESTINAL. Identifiers: MedGen C2713442, MONDO:0021056, OMIM 175100. Disease mechanism: loss of function.

Submissions (2):

Ambry Genetics
Classification: Uncertain significance for Hereditary cancer-predisposing syndrome. Last evaluated: 2025-06-18. Review status: criteria provided, single submitter. Criteria: Ambry Variant Classification Scheme 2023. Collection method: clinical testing. Allele origin: germline.
Comment: The p.H2063Y variant (also known as c.6187C>T), located in coding exon 15 of the APC gene, results from a C to T substitution at nucleotide position 6187. The histidine at codon 2063 is replaced by tyrosine, an amino acid with similar properties. This amino acid position is not well conserved in available vertebrate species. In addition, in silico predictors for this gene do not accurately predict pathogenicity. Missense alterations in APC are not a common cause of disease (Spier I et al. Genet Med. 2024 Feb;26(2):100992). Based on the available evidence, the clinical significance of this variant remains unclear.

Labcorp Genetics (formerly Invitae), Labcorp
Classification: Uncertain significance for Familial adenomatous polyposis 1. Last evaluated: 2024-10-28. Review status: criteria provided, single submitter. Criteria: Invitae Variant Classification Sherloc (09022015). Collection method: clinical testing. Allele origin: germline.
Comment: This sequence change replaces histidine, which is basic and polar, with tyrosine, which is neutral and polar, at codon 2063 of the APC protein (p.His2063Tyr). This variant is not present in population databases (gnomAD no frequency). This variant has not been reported in the literature in individuals affected with APC-related conditions. ClinVar contains an entry for this variant (Variation ID: 1752087). Invitae Evidence Modeling of protein sequence and biophysical properties (such as structural, functional, and spatial information, amino acid conservation, physicochemical variation, residue mobility, and thermodynamic stability) indicates that this missense variant is not expected to disrupt APC protein function with a negative predictive value of 95%. In summary, the available evidence is currently insufficient to determine the role of this variant in disease. Therefore, it has been classified as a Variant of Uncertain Significance.